The following is an entry in ClinVar:

ClinVar aggregate classification (germline): Uncertain significance. Review status: criteria provided, multiple submitters, no conflicts (2 of 4 stars). 2 submissions from 2 submitters: Uncertain significance (2). Last evaluated 2025-03-02.

Conditions:
Hereditary cancer-predisposing syndrome. Also called: Hereditary Cancer Syndrome; Hereditary neoplastic syndrome; Tumor predisposition; Neoplastic Syndromes, Hereditary. Identifiers: Orphanet 140162, MedGen C0027672, MeSH D009386, MONDO:0015356.
Cardiovascular phenotype. Identifiers: MedGen CN230736.

Submissions (2):

Labcorp Genetics (formerly Invitae), Labcorp
Classification: Uncertain significance. Last evaluated: 2025-03-02. Review status: criteria provided, single submitter. Criteria: Invitae Variant Classification Sherloc (09022015). Collection method: clinical testing. Allele origin: germline.
Comment: This sequence change replaces glutamine, which is neutral and polar, with arginine, which is basic and polar, at codon 775 of the LZTR1 protein (p.Gln775Arg). This variant is not present in population databases (gnomAD no frequency). This variant has not been reported in the literature in individuals affected with LZTR1-related conditions. ClinVar contains an entry for this variant (Variation ID: 1789619). An algorithm developed to predict the effect of missense changes on protein structure and function (PolyPhen-2) suggests that this variant is likely to be disruptive. Algorithms developed to predict the effect of sequence changes on RNA splicing suggest that this variant may disrupt the consensus splice site. In summary, the available evidence is currently insufficient to determine the role of this variant in disease. Therefore, it has been classified as a Variant of Uncertain Significance.

Ambry Genetics
Classification: Uncertain significance for Cardiovascular phenotype; Hereditary cancer-predisposing syndrome. Last evaluated: 2021-09-28. Review status: criteria provided, single submitter. Criteria: Ambry Variant Classification Scheme 2023. Collection method: clinical testing. Allele origin: germline.
Comment: The p.Q775R variant (also known as c.2324A>G), located in coding exon 19 of the LZTR1 gene, results from an A to G substitution at nucleotide position 2324. The glutamine at codon 775 is replaced by arginine, an amino acid with highly similar properties. This amino acid position is highly conserved in available vertebrate species. In addition, the in silico prediction for this alteration is inconclusive, and direct evidence is insufficient at this time (Ambry internal data). Since supporting evidence is limited at this time, the clinical significance of this alteration remains unclear.

NM_006767.4(LZTR1):c.2324A>G (p.Gln775Arg)

Gene: LZTR1 (leucine zipper like post translational regulator 1; plus strand). Cytogenetic location: 22q11.21.
Variant type: single nucleotide variant.
Coding change: c.2324A>G on transcript NM_006767.4 (MANE Select); coding-DNA position 2324, A replaced by G.
Protein change: p.Gln775Arg; replaces glutamine 775 with arginine.
Molecular consequence: missense variant.
Genome position (GRCh38, 1-based): chr22:20,996,800, A>G. VCF-style: chr22-20996800-A-G. GRCh37 (hg19) VCF-style: chr22-21351089-A-G.
Other names: short protein forms Q775R.
Identifiers: ClinVar variation 1789619 (VCV001789619.6), dbSNP rs2147970413, ClinGen allele CA410780947.